The following is an entry in ClinVar:

NM_025179.4(PLXNA2):c.2538C>T (p.Leu846=)

Gene: PLXNA2 (plexin A2; minus strand). Cytogenetic location: 1q32.2.
Variant type: single nucleotide variant.
Coding change: c.2538C>T on transcript NM_025179.4 (MANE Select); coding-DNA position 2538, C replaced by T.
Protein change: p.Leu846=; no amino-acid change (leucine 846 retained).
Molecular consequence: synonymous variant.
Genome position (GRCh38, 1-based): chr1:208,079,308, G>A on the plus strand (C>T on the coding strand, the complement: PLXNA2 is on the minus strand). VCF-style: chr1-208079308-G-A. GRCh37 (hg19) VCF-style: chr1-208252653-G-A.
Identifiers: ClinVar variation 3351945 (VCV003351945.1).

ClinVar aggregate classification (germline): Likely benign (0 of 4 stars; one submission).

Conditions:
PLXNA2-related disorder. Also called: PLXNA2-related condition.

gnomAD v4.1: 169 of 1,612,882 alleles (0.01%); highest among the groups gnomAD compares: Non-Finnish European, 0.012%; no homozygotes.

Submission:

PreventionGenetics, part of Exact Sciences
Classification: Likely benign for PLXNA2-related condition. Last evaluated: 2022-11-22. Review status: no assertion criteria provided. Collection method: clinical testing. Allele origin: germline.
Comment: This variant is classified as likely benign based on ACMG/AMP sequence variant interpretation guidelines (Richards et al. 2015 PMID: 25741868, with internal and published modifications).